The following is an entry in ClinVar:

NM_001323289.2(CDKL5):c.2555C>G (p.Pro852Arg)

Gene: CDKL5 (cyclin dependent kinase like 5; plus strand). Cytogenetic location: Xp22.13.
Variant type: single nucleotide variant.
Coding change: c.2555C>G on transcript NM_001323289.2 (MANE Select); coding-DNA position 2555, C replaced by G.
Protein change: p.Pro852Arg; replaces proline 852 with arginine.
Molecular consequence: missense variant.
Genome position (GRCh38, 1-based): chrX:18,628,429, C>G. VCF-style: chrX-18628429-C-G. GRCh37 (hg19) VCF-style: chrX-18646549-C-G.
Other names: c.2555C>G, p.Pro852Arg (NM_001037343.2, NM_003159.3); short protein forms P852R.
Identifiers: ClinVar variation 2941518 (VCV002941518.3), dbSNP rs587783156, ClinGen allele CA294760.

ClinVar aggregate classification (germline): Uncertain significance (1 of 4 stars; one submission).

Conditions:
Developmental and epileptic encephalopathy, 2 (DEE2). Also called: INFANTILE SPASM SYNDROME, X-LINKED 2; CDKL5 deficiency disorder. Identifiers: Orphanet 1934, Orphanet 3451, Orphanet 505652, MedGen C4750718, MONDO:0010396, OMIM 300672.
Angelman syndrome-like. Identifiers: MedGen CN128785.

Submission:

Labcorp Genetics (formerly Invitae), Labcorp
Classification: Uncertain significance for Developmental and epileptic encephalopathy, 2; Angelman syndrome-like. Last evaluated: 2022-11-16. Review status: criteria provided, single submitter. Criteria: Invitae Variant Classification Sherloc (09022015). Collection method: clinical testing. Allele origin: germline.
Comment: In summary, the available evidence is currently insufficient to determine the role of this variant in disease. Therefore, it has been classified as a Variant of Uncertain Significance. Advanced modeling of protein sequence and biophysical properties (such as structural, functional, and spatial information, amino acid conservation, physicochemical variation, residue mobility, and thermodynamic stability) performed at Invitae indicates that this missense variant is not expected to disrupt CDKL5 protein function. This variant has not been reported in the literature in individuals affected with CDKL5-related conditions. This variant is not present in population databases (gnomAD no frequency). This sequence change replaces proline, which is neutral and non-polar, with arginine, which is basic and polar, at codon 852 of the CDKL5 protein (p.Pro852Arg).